The following is an entry in ClinVar:

NM_001931.5(DLAT):c.1581del (p.Phe527fs)

Genes: DLAT (dihydrolipoamide S-acetyltransferase; plus strand), PIH1D2 (PIH1 domain containing 2; minus strand). Cytogenetic location: 11q23.1.
Variant type: Deletion.
Coding change: c.1581del on transcript NM_001931.5 (MANE Select); coding-DNA position 1581, one base deleted (T; older notation c.1581delT).
Protein change: p.Phe527fs; shifts the reading frame from phenylalanine 527.
Molecular consequence: frameshift variant. On other transcripts: non-coding transcript variant (1), intron variant (1).
Genome position (GRCh38, 1-based): chr11:112,059,969, T deleted; the last of 3 consecutive T bases (chr11:112,059,967-112,059,969); deleting any one gives the same sequence. VCF-style (leftmost placement, unchanged base first): chr11-112059966-GT-G. GRCh37 (hg19) VCF-style: chr11-111930690-GT-G.
Other names: c.1599del, p.Phe533fs (NM_001372031.1); c.1575del, p.Phe525fs (NM_001372032.1); c.1560del, p.Phe520fs (NM_001372033.1); c.1548del, p.Phe516fs (NM_001372034.1); c.1473del, p.Phe491fs (NM_001372035.1); c.1455del, p.Phe485fs (NM_001372036.1); c.1413del, p.Phe471fs (NM_001372037.1); c.1302del, p.Phe434fs (NM_001372038.1); and 5 more; short protein forms F386fs, F434fs, F471fs, F485fs, F520fs, F525fs, F373fs, F422fs.
Identifiers: ClinVar variation 5007782 (VCV005007782.2).

ClinVar aggregate classification (germline): Likely pathogenic (1 of 4 stars; one submission).

Conditions:
Pyruvate dehydrogenase E2 deficiency (PDHDD). Also called: LACTIC ACIDEMIA DUE TO DEFECT OF E2 LIPOYL TRANSACETYLASE OF THE PYRUVATE DEHYDROGENASE COMPLEX; Dihydrolipoamide Acetyltransferase (E2) Deficiency. Identifiers: Orphanet 765, Orphanet 79244, MedGen C1855565, MONDO:0009502, OMIM 245348.

Submission:

Juno Genomics, Hangzhou Juno Genomics, Inc
Classification: Likely pathogenic for Pyruvate dehydrogenase E2 deficiency. Review status: criteria provided, single submitter. Criteria: ACMG Guidelines, 2015. Collection method: clinical testing. Allele origin: germline.
Comment: Null variant in a gene where loss of function (LOF) is a known mechanism of disease.;Absent from controls (or at extremely low frequency if recessive) in Genome Aggregation Database.